The following is an entry in ClinVar:

ClinVar aggregate classification (germline): Likely benign (1 of 4 stars; one submission).

Allele frequency attached by ClinVar (database versions not stated): ExAC 0.00001.

Submission:

CeGaT Center for Human Genetics Tuebingen
Classification: Likely benign. Last evaluated: 2023-08-01. Review status: criteria provided, single submitter. Criteria: CeGaT Center For Human Genetics Tuebingen Variant Classification Criteria Version 2. Collection method: clinical testing. Allele origin: germline. Affected: yes. Observed: 1 variant allele.
Comment: MUC3A: PM2:Supporting, BP4, BP7

NM_005960.2(MUC3A):c.948C>A (p.Thr316=)

Gene: MUC3A (mucin 3A, cell surface associated; plus strand). Cytogenetic location: 7q22.1.
Variant type: single nucleotide variant.
Coding change: c.948C>A on transcript NM_005960.2 (MANE Select); coding-DNA position 948, C replaced by A.
Protein change: p.Thr316=; no amino-acid change (threonine 316 retained).
Molecular consequence: synonymous variant.
Genome position (GRCh38, 1-based): chr7:100,952,727, C>A. VCF-style: chr7-100952727-C-A. GRCh37 (hg19) VCF-style: chr7-100550367-C-A.
Identifiers: ClinVar variation 2657778 (VCV002657778.24), dbSNP rs768189628, ClinGen allele CA4397064.